The following is an entry in ClinVar:

NM_003024.3(ITSN1):c.3419C>T (p.Thr1140Met)

Gene: ITSN1 (intersectin 1; plus strand). Cytogenetic location: 21q22.11.
Variant type: single nucleotide variant.
Coding change: c.3419C>T on transcript NM_003024.3 (MANE Select); coding-DNA position 3419, C replaced by T.
Protein change: p.Thr1140Met; replaces threonine 1140 with methionine.
Molecular consequence: missense variant.
Genome position (GRCh38, 1-based): chr21:33,834,374, C>T. VCF-style: chr21-33834374-C-T. GRCh37 (hg19) VCF-style: chr21-35206678-C-T.
Other names: c.3419C>T, p.Thr1140Met (NM_001001132.2); c.3206C>T, p.Thr1069Met (NM_001331008.2); c.3404C>T, p.Thr1135Met (NM_001331009.2, NM_001331010.2); c.3191C>T, p.Thr1064Met (NM_001331011.2); c.3293C>T, p.Thr1098Met (NM_001331012.2); short protein forms T1064M, T1069M, T1098M, T1135M, T1140M.
Identifiers: ClinVar variation 2631831 (VCV002631831.1), dbSNP rs200762568, ClinGen allele CA10012137.

ClinVar aggregate classification (germline): Uncertain significance (1 of 4 stars; one submission).

Conditions:
ITSN1-related disorder. Also called: ITSN1-related condition.

Allele frequency attached by ClinVar (database versions not stated): ExAC 0.00002; gnomAD exomes 0.00005; TOPMed 0.00005; gnomAD 0.00006.
gnomAD v4.1: 89 of 1,613,826 alleles (0.0055%); highest among the groups gnomAD compares: Admixed American, 0.012%; no homozygotes.

Submission:

PreventionGenetics, part of Exact Sciences
Classification: Uncertain significance for ITSN1-related condition. Last evaluated: 2023-06-13. Review status: criteria provided, single submitter. Criteria: ACMG Guidelines, 2015. Collection method: clinical testing. Allele origin: germline.
Comment: The ITSN1 c.3419C>T variant is predicted to result in the amino acid substitution p.Thr1140Met. To our knowledge, this variant has not been reported in the literature. This variant is reported in 0.017% of alleles in individuals of Latino descent in gnomAD. At this time, the clinical significance of this variant is uncertain due to the absence of conclusive functional and genetic evidence.